The following is an entry in ClinVar:

ClinVar aggregate classification (germline): Pathogenic (1 of 4 stars; one submission).

Conditions:
Mandibulofacial dysostosis-microcephaly syndrome (MFDGA). Also called: Growth and mental retardation, mandibulofacial dysostosis, microcephaly, and cleft palate; Mandibulofacial dysostosis, Guion-Almeida type. Identifiers: Orphanet 79113, MedGen C1864652, MONDO:0012516, OMIM 610536.

Submission:

Variantyx, Inc.
Classification: Pathogenic for Mandibulofacial dysostosis-microcephaly syndrome. Last evaluated: 2025-09-26. Review status: criteria provided, single submitter. Criteria: Variantyx Assertion Criteria 2022. Collection method: clinical testing. Allele origin: de novo. Inheritance: Autosomal dominant inheritance. Affected: yes.
Comment: This is a frameshift variant in the EFTUD2 gene (OMIM: 603892). Pathogenic variants in this gene have been associated with autosomal dominant mandibulofacial dysostosis with microcephaly. Thwe alteration introduces a premature termination codon in exon 11 out of 28 and is expected to result in loss of function, which is a known disease mechanism for EFTUD2 in this disorder (PMID: 23188108, 22305528) (PVS1). This variant is absent from control populations (PM2) and it \has not been reported in individuals with EFTUD2-related disorders in the databases available for review. Based on the current evidence, this variant is classified as pathogenic for autosomal dominant mandibulofacial dysostosis with microcephaly.

Literature cited by the submitters: PubMed 23188108; PubMed 22305528.

NM_004247.4(EFTUD2):c.937dup (p.Gln313fs)

Gene: EFTUD2 (elongation factor Tu GTP binding domain containing 2; minus strand). Cytogenetic location: 17q21.31.
Variant type: Duplication.
Coding change: c.937dup on transcript NM_004247.4 (MANE Select); coding-DNA position 937, one base duplicated (C; older notation c.937dupC).
Protein change: p.Gln313fs; shifts the reading frame from glutamine 313.
Molecular consequence: frameshift variant.
Genome position (GRCh38, 1-based): chr17:44,872,503, G duplicated on the plus strand (C on the coding strand, the reverse complement: EFTUD2 is on the minus strand); the first of 3 consecutive G bases (chr17:44,872,503-44,872,505); duplicating any one gives the same sequence. VCF-style (leftmost placement, unchanged base first): chr17-44872502-T-TG. GRCh37 (hg19) VCF-style: chr17-42949870-T-TG.
Other names: c.937dup, p.Gln313fs (NM_001258353.2); c.907dup, p.Gln303fs (NM_001258354.2); c.832dup, p.Gln278fs (NM_001142605.2); short protein forms Q278fs, Q303fs, Q313fs.
Identifiers: ClinVar variation 4850696 (VCV004850696.1).